The following is an entry in ClinVar:

ClinVar aggregate classification (germline): Uncertain significance (1 of 4 stars; one submission).

Allele frequency attached by ClinVar (database versions not stated): ExAC 0.00001; gnomAD exomes 0.00001.

Submission:

Labcorp Genetics (formerly Invitae), Labcorp
Classification: Uncertain significance. Last evaluated: 2022-04-01. Review status: criteria provided, single submitter. Criteria: Invitae Variant Classification Sherloc (09022015). Collection method: clinical testing. Allele origin: germline.
Comment: This sequence change replaces alanine, which is neutral and non-polar, with threonine, which is neutral and polar, at codon 30 of the PDYN protein (p.Ala30Thr). This variant is present in population databases (rs779267247, gnomAD 0.01%). In summary, the available evidence is currently insufficient to determine the role of this variant in disease. Therefore, it has been classified as a Variant of Uncertain Significance. Algorithms developed to predict the effect of missense changes on protein structure and function are either unavailable or do not agree on the potential impact of this missense change (SIFT: "Deleterious"; PolyPhen-2: "Benign"; Align-GVGD: "Class C0"). This variant has not been reported in the literature in individuals affected with PDYN-related conditions.

NM_024411.5(PDYN):c.88G>A (p.Ala30Thr)

Genes: PDYN (prodynorphin; minus strand), PDYN-AS1 (PDYN antisense RNA 1; plus strand). Cytogenetic location: 20p13.
Variant type: single nucleotide variant.
Coding change: c.88G>A on transcript NM_024411.5 (MANE Select); coding-DNA position 88, G replaced by A.
Protein change: p.Ala30Thr; replaces alanine 30 with threonine.
Molecular consequence: missense variant.
Genome position (GRCh38, 1-based): chr20:1,982,997, C>T on the plus strand (G>A on the coding strand, the complement: PDYN is on the minus strand). VCF-style: chr20-1982997-C-T. GRCh37 (hg19) VCF-style: chr20-1963643-C-T.
Other names: c.88G>A, p.Ala30Thr (NM_001190892.1, NM_001190898.3, NM_001190899.2 and 1 more transcripts); short protein forms A30T.
Identifiers: ClinVar variation 2051101 (VCV002051101.4), dbSNP rs779267247, ClinGen allele CA9730386.